The following is an entry in ClinVar:

ClinVar aggregate classification (germline): Likely benign. Review status: criteria provided, multiple submitters, no conflicts (2 of 4 stars). 2 submissions from 2 submitters: Likely benign (2). Last evaluated 2024-08-12.

Conditions:
Ataxia-telangiectasia syndrome (AT). Also called: LOUIS-BAR SYNDROME; Cerebello-oculocutaneous telangiectasia; Immunodeficiency with ataxia telangiectasia; Ataxia telangiectasia (A-T); Ataxia-telangiectasia, complementation group D; AT, COMPLEMENTATION GROUP C. Identifiers: Orphanet 100, MedGen C0004135, MONDO:0008840, OMIM 208900.
Familial cancer of breast. Also called: BREAST CANCER, FAMILIAL; Hereditary breast cancer; hereditary breast carcinoma. Identifiers: Orphanet 227535, MedGen C0346153, MONDO:0016419, OMIM 114480. Disease mechanism: loss of function.

Allele frequency attached by ClinVar (database versions not stated): gnomAD exomes below 0.00001.
gnomAD v4.1: 3 of 1,540,510 alleles (0.00019%); highest among the groups gnomAD compares: Non-Finnish European, 0.00018%; no homozygotes.

Submissions (2):

Labcorp Genetics (formerly Invitae), Labcorp
Classification: Likely benign for Ataxia-telangiectasia syndrome. Last evaluated: 2024-08-12. Review status: criteria provided, single submitter. Criteria: Invitae Variant Classification Sherloc (09022015). Collection method: clinical testing. Allele origin: germline.

Myriad Genetics, Inc.
Classification: Likely benign for Familial cancer of breast. Last evaluated: 2024-06-19. Review status: criteria provided, single submitter. Criteria: Myriad Autosomal Dominant, Autosomal Recessive and X-Linked Classification Criteria (2023). Collection method: clinical testing. Allele origin: unknown.
Comment: This variant is considered likely benign. This variant is intronic and is not expected to impact mRNA splicing.

NM_000051.4(ATM):c.8419-16T>C

Genes: ATM (ATM serine/threonine kinase; plus strand), C11orf65 (chromosome 11 open reading frame 65; minus strand). Cytogenetic location: 11q22.3.
Variant type: single nucleotide variant.
Coding change: c.8419-16T>C on transcript NM_000051.4 (MANE Select); 16 bases into the intron before coding-DNA position 8419, T replaced by C.
Molecular consequence: intron variant.
Genome position (GRCh38, 1-based): chr11:108,345,727, T>C. VCF-style: chr11-108345727-T-C. GRCh37 (hg19) VCF-style: chr11-108216454-T-C.
Other names: c.8419-16T>C (NM_001351834.2); c.641-36656A>G (NM_001330368.2); c.695-10435A>G (NM_001351110.2).
Identifiers: ClinVar variation 1548337 (VCV001548337.9), dbSNP rs2137021914, ClinGen allele CA2573146769.